The following is an entry in ClinVar:

ClinVar aggregate classification (germline): Uncertain significance (1 of 4 stars; one submission).

Conditions:
GATA binding protein 1 related thrombocytopenia with dyserythropoiesis. Also called: GATA1-Related X-Linked Cytopenia; GATA1-Related Cytopenia. Identifiers: MedGen C1845837, MONDO:0100089.
Diamond-Blackfan anemia. Also called: Blackfan Diamond syndrome; Aregenerative anemia chronic congenital; Red cell aplasia, pure hereditary; Congenital hypoplastic anemia; Aase syndrome. Identifiers: Orphanet 124, MedGen C1260899, MeSH D029503, MONDO:0015253, HP:0004810.

Submission:

Labcorp Genetics (formerly Invitae), Labcorp
Classification: Uncertain significance for GATA binding protein 1 related thrombocytopenia with dyserythropoiesis; Diamond-Blackfan anemia. Last evaluated: 2024-10-10. Review status: criteria provided, single submitter. Criteria: Invitae Variant Classification Sherloc (09022015). Collection method: clinical testing. Allele origin: germline.
Comment: This sequence change replaces proline, which is neutral and non-polar, with arginine, which is basic and polar, at codon 73 of the GATA1 protein (p.Pro73Arg). This variant is not present in population databases (gnomAD no frequency). This variant has not been reported in the literature in individuals affected with GATA1-related conditions. Invitae Evidence Modeling of protein sequence and biophysical properties (such as structural, functional, and spatial information, amino acid conservation, physicochemical variation, residue mobility, and thermodynamic stability) indicates that this missense variant is not expected to disrupt GATA1 protein function with a negative predictive value of 95%. In summary, the available evidence is currently insufficient to determine the role of this variant in disease. Therefore, it has been classified as a Variant of Uncertain Significance.

NM_002049.4(GATA1):c.218C>G (p.Pro73Arg)

Gene: GATA1 (GATA binding protein 1; plus strand). Cytogenetic location: Xp11.23.
Variant type: single nucleotide variant.
Coding change: c.218C>G on transcript NM_002049.4 (MANE Select); coding-DNA position 218, C replaced by G.
Protein change: p.Pro73Arg; replaces proline 73 with arginine.
Molecular consequence: missense variant.
Genome position (GRCh38, 1-based): chrX:48,791,327, C>G. VCF-style: chrX-48791327-C-G. GRCh37 (hg19) VCF-style: chrX-48649734-C-G.
Other names: short protein forms P73R.
Identifiers: ClinVar variation 3759173 (VCV003759173.2).